The following is an entry in ClinVar:

ClinVar aggregate classification (germline): Uncertain significance. Review status: criteria provided, multiple submitters, no conflicts (2 of 4 stars). 2 submissions from 2 submitters: Uncertain significance (2). Last evaluated 2025-10-22.

gnomAD v4.1: 34 of 1,613,476 alleles (0.0021%); highest among the groups gnomAD compares: Admixed American, 0.057%; no homozygotes.

Submissions (2):

Mayo Clinic Laboratories, Mayo Clinic
Classification: Uncertain significance. Last evaluated: 2025-10-22. Review status: criteria provided, single submitter. Criteria: ACMG Guidelines, 2015. Collection method: clinical testing. Allele origin: germline. Observed: 1 variant allele.
Comment: BP4_moderate

Ambry Genetics
Classification: Uncertain significance. Last evaluated: 2025-10-18. Review status: criteria provided, single submitter. Criteria: Ambry Variant Classification Scheme 2023. Collection method: clinical testing. Allele origin: germline.

NM_001103146.3(GIGYF2):c.1108A>G (p.Thr370Ala)

Gene: GIGYF2 (GRB10 interacting GYF protein 2; plus strand). Cytogenetic location: 2q37.1.
Variant type: single nucleotide variant.
Coding change: c.1108A>G on transcript NM_001103146.3 (MANE Select); coding-DNA position 1108, A replaced by G.
Protein change: p.Thr370Ala; replaces threonine 370 with alanine.
Molecular consequence: missense variant. On other transcripts: non-coding transcript variant (1).
Genome position (GRCh38, 1-based): chr2:232,791,272, A>G. VCF-style: chr2-232791272-A-G. GRCh37 (hg19) VCF-style: chr2-233655982-A-G.
Other names: p.Thr370Ala; c.1108A>G (NM_001103146.1); c.1171A>G, p.Thr391Ala (NM_001103147.2); c.1090A>G, p.Thr364Ala (NM_001103148.2); c.1108A>G, p.Thr370Ala (NM_015575.4); short protein forms T364A, T370A, T391A.
Identifiers: ClinVar variation 4540824 (VCV004540824.1).